The following is an entry in ClinVar:

ClinVar aggregate classification (germline): Likely benign. Review status: criteria provided, single submitter (1 of 4 stars). 2 submissions from 2 submitters: Likely benign (1). 1 of the submissions does not count toward it. Last evaluated 2025-10-10.

Conditions:
FOCAD-related disorder. Also called: FOCAD-related condition.

Allele frequency attached by ClinVar (database versions not stated): gnomAD 0.00005; TOPMed 0.00005; ExAC 0.00007; gnomAD exomes 0.00003.
gnomAD v4.1: 55 of 1,612,620 alleles (0.0034%); highest among the groups gnomAD compares: East Asian, 0.08%; no homozygotes.

Submissions (2):

Labcorp Genetics (formerly Invitae), Labcorp
Classification: Likely benign. Last evaluated: 2025-10-10. Review status: criteria provided, single submitter. Criteria: Invitae Variant Classification Sherloc (09022015). Collection method: clinical testing. Allele origin: germline.

PreventionGenetics, part of Exact Sciences
Classification: Likely benign for FOCAD-related condition. Last evaluated: 2019-06-06. Review status: no assertion criteria provided. Collection method: clinical testing. Allele origin: germline. Not counted in ClinVar's aggregate classification.
Comment: This variant is classified as likely benign based on ACMG/AMP sequence variant interpretation guidelines (Richards et al. 2015 PMID: 25741868, with internal and published modifications).

NM_001375567.1(FOCAD):c.3675+9G>A

Gene: FOCAD (focadhesin; plus strand). Cytogenetic location: 9p21.3.
Variant type: single nucleotide variant.
Coding change: c.3675+9G>A on transcript NM_001375567.1 (MANE Select); 9 bases into the intron after coding-DNA position 3675, G replaced by A.
Molecular consequence: intron variant.
Genome position (GRCh38, 1-based): chr9:20,946,829, G>A. VCF-style: chr9-20946829-G-A. GRCh37 (hg19) VCF-style: chr9-20946828-G-A.
Other names: c.3675+9G>A (NM_017794.4, NM_017794.5); c.3570+9G>A (NM_001375568.1, NM_001375570.1).
Identifiers: ClinVar variation 2701380 (VCV002701380.5), dbSNP rs201518967, ClinGen allele CA5007640.